The following is an entry in ClinVar:

ClinVar aggregate classification (germline): Uncertain significance. Review status: criteria provided, multiple submitters, no conflicts (2 of 4 stars). 2 submissions from 2 submitters: Uncertain significance (2). Last evaluated 2024-05-07.

Conditions:
Wilson disease (WND). Also called: Wilson's disease. Identifiers: Orphanet 905, MedGen C0019202, MONDO:0010200, OMIM 277900. Disease mechanism: loss of function.

Submissions (2):

Mayo Clinic Laboratories, Mayo Clinic
Classification: Uncertain significance. Last evaluated: 2024-05-07. Review status: criteria provided, single submitter. Criteria: ACMG Guidelines, 2015. Collection method: clinical testing. Allele origin: germline. Observed: 1 variant allele.
Comment: PP3, PM2, PM3_supporting

Labcorp Genetics (formerly Invitae), Labcorp
Classification: Uncertain significance for Wilson disease. Last evaluated: 2022-06-23. Review status: criteria provided, single submitter. Criteria: Invitae Variant Classification Sherloc (09022015). Collection method: clinical testing. Allele origin: germline.
Comment: In summary, the available evidence is currently insufficient to determine the role of this variant in disease. Therefore, it has been classified as a Variant of Uncertain Significance. Advanced modeling of protein sequence and biophysical properties (such as structural, functional, and spatial information, amino acid conservation, physicochemical variation, residue mobility, and thermodynamic stability) performed at Invitae indicates that this missense variant is expected to disrupt ATP7B protein function. This variant has not been reported in the literature in individuals affected with ATP7B-related conditions. This variant is not present in population databases (gnomAD no frequency). This sequence change replaces isoleucine, which is neutral and non-polar, with threonine, which is neutral and polar, at codon 1192 of the ATP7B protein (p.Ile1192Thr).

NM_000053.4(ATP7B):c.3575T>C (p.Ile1192Thr)

Gene: ATP7B (ATPase copper transporting beta; minus strand). Cytogenetic location: 13q14.3.
Variant type: single nucleotide variant.
Coding change: c.3575T>C on transcript NM_000053.4 (MANE Select); coding-DNA position 3575, T replaced by C.
Protein change: p.Ile1192Thr; replaces isoleucine 1192 with threonine.
Molecular consequence: missense variant.
Genome position (GRCh38, 1-based): chr13:51,939,175, A>G on the plus strand (T>C on the coding strand, the complement: ATP7B is on the minus strand). VCF-style: chr13-51939175-A-G. GRCh37 (hg19) VCF-style: chr13-52513311-A-G.
Other names: p.Ile1192Thr; c.3479T>C, p.Ile1160Thr (NM_001406517.1, NM_001406518.1); c.3440T>C, p.Ile1147Thr (NM_001406519.1); c.3431T>C, p.Ile1144Thr (NM_001406520.1, NM_001406521.1, NM_001406522.1); c.3392T>C, p.Ile1131Thr (NM_001406523.1); c.3398T>C, p.Ile1133Thr (NM_001406524.1); c.3380T>C, p.Ile1127Thr (NM_001406525.1); c.3575T>C, p.Ile1192Thr (NM_001406526.1, NM_001406511.1, NM_001406512.1); and 21 more; short protein forms I1030T, I1108T, I1133T, I1181T, I1190T, I1192T, I1028T, I1043T.
Identifiers: ClinVar variation 2009752 (VCV002009752.5), dbSNP rs2547584532, ClinGen allele CA388024647.